The following is an entry in ClinVar:

ClinVar aggregate classification (germline): Uncertain significance (1 of 4 stars; one submission).

Submission:

Mayo Clinic Laboratories, Mayo Clinic
Classification: Uncertain significance. Last evaluated: 2025-07-23. Review status: criteria provided, single submitter. Criteria: ACMG Guidelines, 2015. Collection method: clinical testing. Allele origin: germline. Observed: 1 variant allele.
Comment: PM2_supporting

NM_000237.3(LPL):c.901C>T (p.Leu301Phe)

Gene: LPL (lipoprotein lipase; plus strand). Cytogenetic location: 8p21.3.
Variant type: single nucleotide variant.
Coding change: c.901C>T on transcript NM_000237.3 (MANE Select); coding-DNA position 901, C replaced by T.
Protein change: p.Leu301Phe; replaces leucine 301 with phenylalanine.
Molecular consequence: missense variant.
Genome position (GRCh38, 1-based): chr8:19,955,966, C>T. VCF-style: chr8-19955966-C-T. GRCh37 (hg19) VCF-style: chr8-19813477-C-T.
Other names: p.Leu301Phe; short protein forms L301F.
Identifiers: ClinVar variation 4541345 (VCV004541345.1).